The following is an entry in ClinVar:

NM_018941.4(CLN8):c.820C>T (p.Pro274Ser)

Gene: CLN8 (CLN8 transmembrane ER and ERGIC protein; plus strand). Cytogenetic location: 8p23.3.
Variant type: single nucleotide variant.
Coding change: c.820C>T on transcript NM_018941.4 (MANE Select); coding-DNA position 820, C replaced by T.
Protein change: p.Pro274Ser; replaces proline 274 with serine.
Molecular consequence: missense variant.
Genome position (GRCh38, 1-based): chr8:1,780,526, C>T. VCF-style: chr8-1780526-C-T. GRCh37 (hg19) VCF-style: chr8-1728692-C-T.
Other names: short protein forms P274S.
Identifiers: ClinVar variation 1969509 (VCV001969509.2), dbSNP rs2486491328, ClinGen allele CA369954395.

ClinVar aggregate classification (germline): Uncertain significance (1 of 4 stars; one submission).

Conditions:
Neuronal ceroid lipofuscinosis. Also called: Neuronal Ceroid Lipofuscinoses. Identifiers: Orphanet 216, Orphanet 79263, MedGen C0027877, MONDO:0016295. Disease mechanism: loss of function.

Allele frequency attached by ClinVar (database versions not stated): gnomAD exomes below 0.00001.

Submission:

Labcorp Genetics (formerly Invitae), Labcorp
Classification: Uncertain significance for Neuronal ceroid lipofuscinosis. Last evaluated: 2022-10-17. Review status: criteria provided, single submitter. Criteria: Invitae Variant Classification Sherloc (09022015). Collection method: clinical testing. Allele origin: germline.
Comment: This sequence change replaces proline, which is neutral and non-polar, with serine, which is neutral and polar, at codon 274 of the CLN8 protein (p.Pro274Ser). This variant is not present in population databases (gnomAD no frequency). This variant has not been reported in the literature in individuals affected with CLN8-related conditions. Algorithms developed to predict the effect of missense changes on protein structure and function output the following: SIFT: "Tolerated"; PolyPhen-2: "Benign"; Align-GVGD: "Class C0". The serine amino acid residue is found in multiple mammalian species, which suggests that this missense change does not adversely affect protein function. Algorithms developed to predict the effect of sequence changes on RNA splicing suggest that this variant may create or strengthen a splice site. In summary, the available evidence is currently insufficient to determine the role of this variant in disease. Therefore, it has been classified as a Variant of Uncertain Significance.